The following is an entry in ClinVar:

ClinVar aggregate classification (germline): Benign. Review status: criteria provided, multiple submitters, no conflicts (2 of 4 stars). 2 submissions from 2 submitters: Benign (2). Last evaluated 2018-01-12.

Conditions:
Porphobilinogen synthase deficiency. Also called: ALAD DEFICIENCY; DELTA-AMINOLEVULINATE DEHYDRATASE DEFICIENCY; DOSS PORPHYRIA; PORPHYRIA, ALAD; Porphyria due to ALA dehydratase deficiency. Identifiers: Orphanet 100924, MedGen C0268328, MONDO:0013000, OMIM 612740.

Allele frequency attached by ClinVar (database versions not stated): 1000 Genomes Project 0.00799; 1000 Genomes Project 30x 0.00812; TOPMed 0.01649; gnomAD 0.01924 and 0.01954.

Submissions (2):

Illumina Laboratory Services, Illumina
Classification: Benign for Porphobilinogen synthase deficiency. Last evaluated: 2018-01-12. Review status: criteria provided, single submitter. Criteria: ICSL Variant Classification Criteria 13 December 2019. Collection method: clinical testing. Allele origin: germline.
Comment: This variant was observed in the ICSL laboratory as part of a predisposition screen in an ostensibly healthy population. It had not been previously curated by ICSL or reported in the Human Gene Mutation Database (HGMD: prior to June 1st, 2018), and was therefore a candidate for classification through an automated scoring system. Utilizing variant allele frequency, disease prevalence and penetrance estimates, and inheritance mode, an automated score was calculated to assess if this variant is too frequent to cause the disease. Based on the score and internal cut-off values, a variant classified as benign is not then subjected to further curation. The score for this variant resulted in a classification of benign for this disease.

Breakthrough Genomics
Classification: Benign. Review status: criteria provided, single submitter. Criteria: ACMG Guidelines, 2015. Collection method: not provided. Allele origin: germline. Inheritance: Autosomal recessive inheritance. Affected: yes.

NM_000031.6(ALAD):c.*1737T>C

Gene: ALAD (aminolevulinate dehydratase; minus strand). Cytogenetic location: 9q32.
Variant type: single nucleotide variant.
Coding change: c.*1737T>C on transcript NM_000031.6 (MANE Select); 1737 bases downstream of the stop codon, T replaced by C.
Molecular consequence: 3 prime UTR variant.
Genome position (GRCh38, 1-based): chr9:113,386,563, A>G on the plus strand (T>C on the coding strand, the complement: ALAD is on the minus strand). VCF-style: chr9-113386563-A-G. GRCh37 (hg19) VCF-style: chr9-116148843-A-G.
Other names: c.*1737T>C (NM_001003945.3, NM_001317745.2).
Identifiers: ClinVar variation 913402 (VCV000913402.5), dbSNP rs11556126, ClinGen allele CA15589157.
Genomic context (GRCh38, chr9:113,386,563, plus strand): 5'-CAACTTATGATCATATTTTCAACTTATGATGGGTTTATCAGGATGCAAACCCATCACATA[A>G]ATGGAGGGGTGTCTATAAAACATTGTTAGACCTATAATTTTGCTGTTGATTATTGGGAGG-3'